The following is an entry in ClinVar:

ClinVar aggregate classification (germline): Uncertain significance (1 of 4 stars; one submission).

Conditions:
Psoriasis 2. Identifiers: MedGen C1864497, MONDO:0011269, OMIM 602723.
Pityriasis rubra pilaris (PRP). Also called: Pityriasis rubra pilaris--familial type. Identifiers: Orphanet 2897, MedGen C0032027, MONDO:0100017, OMIM 173200, MONDO:0008251.

Allele frequency attached by ClinVar (database versions not stated): TOPMed 0.00002.

Submission:

Labcorp Genetics (formerly Invitae), Labcorp
Classification: Uncertain significance for Pityriasis rubra pilaris; Psoriasis 2. Last evaluated: 2025-07-28. Review status: criteria provided, single submitter. Criteria: Invitae Variant Classification Sherloc (09022015). Collection method: clinical testing. Allele origin: germline.
Comment: This sequence change replaces serine, which is neutral and polar, with leucine, which is neutral and non-polar, at codon 276 of the CARD14 protein (p.Ser276Leu). This variant is present in population databases (rs149318654, gnomAD 0.02%). This variant has not been reported in the literature in individuals affected with CARD14-related conditions. ClinVar contains an entry for this variant (Variation ID: 1043433). Invitae Evidence Modeling of protein sequence and biophysical properties (such as structural, functional, and spatial information, amino acid conservation, physicochemical variation, residue mobility, and thermodynamic stability) indicates that this missense variant is not expected to disrupt CARD14 protein function with a negative predictive value of 95%. In summary, the available evidence is currently insufficient to determine the role of this variant in disease. Therefore, it has been classified as a Variant of Uncertain Significance.

NM_001366385.1(CARD14):c.827C>T (p.Ser276Leu)

Gene: CARD14 (caspase recruitment domain family member 14; plus strand). Cytogenetic location: 17q25.3.
Variant type: single nucleotide variant.
Coding change: c.827C>T on transcript NM_001366385.1 (MANE Select); coding-DNA position 827, C replaced by T.
Protein change: p.Ser276Leu; replaces serine 276 with leucine.
Molecular consequence: missense variant. On other transcripts: non-coding transcript variant (1).
Genome position (GRCh38, 1-based): chr17:80,188,528, C>T. VCF-style: chr17-80188528-C-T. GRCh37 (hg19) VCF-style: chr17-78162327-C-T.
Other names: c.827C>T, p.Ser276Leu (NM_001257970.1, NM_024110.4); c.116C>T, p.Ser39Leu (NM_052819.3); short protein forms S276L, S39L.
Identifiers: ClinVar variation 1043433 (VCV001043433.9), dbSNP rs149318654, ClinGen allele CA8816527.